The following is an entry in ClinVar:

ClinVar aggregate classification (germline): Uncertain significance. Review status: criteria provided, multiple submitters, no conflicts (2 of 4 stars). 3 submissions from 3 submitters: Uncertain significance (3). Last evaluated 2024-05-16.

Conditions:
Inborn genetic diseases. Identifiers: MedGen C0950123, MeSH D030342.
Nephronophthisis 16 (NPHP16). Identifiers: Orphanet 655, MedGen C3809320, MONDO:0014158, OMIM 615382.

Allele frequency attached by ClinVar (database versions not stated): gnomAD 0.00001; gnomAD exomes 0.00001 and 0.00002; ExAC 0.00002; TOPMed 0.00003.

Submissions (3):

GeneDx
Classification: Uncertain significance. Last evaluated: 2024-05-16. Review status: criteria provided, single submitter. Criteria: GeneDx Variant Classification Process June 2021. Collection method: clinical testing. Allele origin: germline. Affected: yes.
Comment: Not observed at significant frequency in large population cohorts (gnomAD); In silico analysis supports that this missense variant does not alter protein structure/function; Has not been previously published as pathogenic or benign to our knowledge

Fulgent Genetics
Classification: Uncertain significance for Nephronophthisis 16. Last evaluated: 2024-04-19. Review status: criteria provided, single submitter. Criteria: ACMG Guidelines, 2015. Collection method: clinical testing. Allele origin: germline.

Ambry Genetics
Classification: Uncertain significance for Inborn genetic diseases. Last evaluated: 2021-07-15. Review status: criteria provided, single submitter. Criteria: Ambry Variant Classification Scheme 2023. Collection method: clinical testing. Allele origin: germline.

NM_173551.5(ANKS6):c.904A>G (p.Met302Val)

Gene: ANKS6 (ankyrin repeat and sterile alpha motif domain containing 6; minus strand). Cytogenetic location: 9q22.33.
Variant type: single nucleotide variant.
Coding change: c.904A>G on transcript NM_173551.5 (MANE Select); coding-DNA position 904, A replaced by G.
Protein change: p.Met302Val; replaces methionine 302 with valine.
Molecular consequence: missense variant.
Genome position (GRCh38, 1-based): chr9:98,784,835, T>C on the plus strand (A>G on the coding strand, the complement: ANKS6 is on the minus strand). VCF-style: chr9-98784835-T-C. GRCh37 (hg19) VCF-style: chr9-101547117-T-C.
Other names: short protein forms M302V.
Identifiers: ClinVar variation 1693374 (VCV001693374.8), dbSNP rs780949680, ClinGen allele CA5153702.